The following is an entry in ClinVar:

ClinVar aggregate classification (germline): Uncertain significance (1 of 4 stars; one submission).

Submission:

Labcorp Genetics (formerly Invitae), Labcorp
Classification: Uncertain significance. Last evaluated: 2023-07-17. Review status: criteria provided, single submitter. Criteria: Invitae Variant Classification Sherloc (09022015). Collection method: clinical testing. Allele origin: germline.
Comment: This sequence change replaces tryptophan, which is neutral and slightly polar, with cysteine, which is neutral and slightly polar, at codon 410 of the POLE protein (p.Trp410Cys). This variant is not present in population databases (gnomAD no frequency). This variant has not been reported in the literature in individuals affected with POLE-related conditions. Advanced modeling of protein sequence and biophysical properties (such as structural, functional, and spatial information, amino acid conservation, physicochemical variation, residue mobility, and thermodynamic stability) performed at Invitae indicates that this missense variant is expected to disrupt POLE protein function. In summary, the available evidence is currently insufficient to determine the role of this variant in disease. Therefore, it has been classified as a Variant of Uncertain Significance.

NM_006231.4(POLE):c.1230G>T (p.Trp410Cys)

Gene: POLE (DNA polymerase epsilon, catalytic subunit; minus strand). Cytogenetic location: 12q24.33.
Variant type: single nucleotide variant.
Coding change: c.1230G>T on transcript NM_006231.4 (MANE Select); coding-DNA position 1230, G replaced by T.
Protein change: p.Trp410Cys; replaces tryptophan 410 with cysteine.
Molecular consequence: missense variant.
Genome position (GRCh38, 1-based): chr12:132,673,704, C>A on the plus strand (G>T on the coding strand, the complement: POLE is on the minus strand). VCF-style: chr12-132673704-C-A. GRCh37 (hg19) VCF-style: chr12-133250290-C-A.
Other names: short protein forms W410C.
Identifiers: ClinVar variation 2744361 (VCV002744361.3), dbSNP rs2136000931, ClinGen allele CA387359767.
Genomic context (GRCh38, chr12:132,673,704, plus strand): 5'-GGCCTTGGCGGCCGCCTTGAGATTATGACTGCCCACAGGAAGGTAACTGTCCCTCTTCAC[C>A]CACCTGGAAGGAGAATGAGAACAGAAGCCAGGATGATTCTAACATGCAGCCCGGGAACCC-3'
Protein context (NP_006222.2, residues 400-420): PQCIHMDCLR[Trp410Cys]VKRDSYLPVG